The following is an entry in ClinVar:

NM_006648.4(WNK2):c.2573C>T (p.Ala858Val)

Gene: WNK2 (WNK lysine deficient protein kinase 2; plus strand). Cytogenetic location: 9q22.31.
Variant type: single nucleotide variant.
Coding change: c.2573C>T on transcript NM_006648.4 (MANE Select); coding-DNA position 2573, C replaced by T.
Protein change: p.Ala858Val; replaces alanine 858 with valine.
Molecular consequence: missense variant.
Genome position (GRCh38, 1-based): chr9:93,259,121, C>T. VCF-style: chr9-93259121-C-T. GRCh37 (hg19) VCF-style: chr9-96021403-C-T.
Other names: c.2573C>T, p.Ala858Val (NM_001282394.3); short protein forms A858V.
Identifiers: ClinVar variation 4826265 (VCV004826265.1).

ClinVar aggregate classification (germline): Uncertain significance (1 of 4 stars; one submission).

gnomAD v4.1: 8 of 1,612,036 alleles (0.0005%); highest among the groups gnomAD compares: South Asian, 0.0055%; no homozygotes.

Submission:

Ambry Genetics
Classification: Uncertain significance. Last evaluated: 2026-03-14. Review status: criteria provided, single submitter. Criteria: Ambry Variant Classification Scheme 2023. Collection method: clinical testing. Allele origin: germline.
Comment: The p.A858V variant (also known as c.2573C>T), located in coding exon 11 of the WNK2 gene, results from a C to T substitution at nucleotide position 2573. The alanine at codon 858 is replaced by valine, an amino acid with similar properties. This amino acid position is conserved. In addition, this alteration is predicted to be tolerated by in silico analysis. Based on the available evidence, the clinical significance of this variant remains unclear.